The following is an entry in ClinVar:

NM_015409.5(EP400):c.8184GCA[18] (p.Gln2748_Thr2749insGlnGlnGlnGln)

Gene: EP400 (E1A binding protein p400; plus strand). Cytogenetic location: 12q24.33.
Variant type: Microsatellite.
Coding change: c.8184GCA[18] on transcript NM_015409.5 (MANE Select); 18 copies in a row of the 3-base unit GCA starting at c.8184; the reference has 14 copies in a row; four copies, 12 bases duplicated.
Protein change: p.Gln2748_Thr2749insGlnGlnGlnGln.
Genome position (GRCh38, 1-based): chr12:132,062,581-132,062,592, GCAGCAGCAGCA duplicated; duplicating any 12 consecutive bases within chr12:132,062,549-132,062,592 gives the same sequence; the position shown is the placement nearest the transcript's 3' end. VCF-style (leftmost placement, unchanged base first): chr12-132062548-A-ACAGCAGCAGCAG. GRCh37 (hg19) VCF-style: chr12-132547093-A-ACAGCAGCAGCAG.
Identifiers: ClinVar variation 3038146 (VCV003038146.2), dbSNP rs528214697, ClinGen allele CA482844228.
Genomic context (GRCh38, chr12:132,062,548, plus strand): 5'-AAAAACCATCACACCTGCACATTTCCAGCTTCTCAGGCAGCAGCAGCAGCAGCAGCAACA[A>ACAGCAGCAGCAG]CAGCAGCAGCAGCAGCAGCAGCAGCAGCAGCAGCAGCAGCAGCAACAGCAGCAGCAGCAA-3'

ClinVar aggregate classification (germline): Benign (0 of 4 stars; one submission).

Conditions:
EP400-related disorder. Also called: EP400-related condition.

Submission:

PreventionGenetics, part of Exact Sciences
Classification: Benign for EP400-related condition. Last evaluated: 2019-10-31. Review status: no assertion criteria provided. Collection method: clinical testing. Allele origin: germline.
Comment: This variant is classified as benign based on ACMG/AMP sequence variant interpretation guidelines (Richards et al. 2015 PMID: 25741868, with internal and published modifications).